The following is an entry in ClinVar:

ClinVar aggregate classification (germline): Uncertain significance (1 of 4 stars; one submission).

Conditions:
Charcot-Marie-Tooth disease type 2. Also called: Charcot-Marie-Tooth type 2. Identifiers: Orphanet 64746, MedGen C0270914, MONDO:0018993.

Submission:

Labcorp Genetics (formerly Invitae), Labcorp
Classification: Uncertain significance for Charcot-Marie-Tooth disease type 2. Last evaluated: 2023-06-30. Review status: criteria provided, single submitter. Criteria: Invitae Variant Classification Sherloc (09022015). Collection method: clinical testing. Allele origin: germline.
Comment: This sequence change falls in intron 9 of the LMNA gene. It does not directly change the encoded amino acid sequence of the LMNA protein. It affects a nucleotide within the consensus splice site. This variant is not present in population databases (gnomAD no frequency). This variant has been observed in individual(s) with autosomal dominant LMNA-related conditions (PMID: 27506821). Variants that disrupt the consensus splice site are a relatively common cause of aberrant splicing (PMID: 17576681, 9536098). Algorithms developed to predict the effect of sequence changes on RNA splicing suggest that this variant may create or strengthen a splice site. In summary, the available evidence is currently insufficient to determine the role of this variant in disease. Therefore, it has been classified as a Variant of Uncertain Significance.

Literature cited by the submitters: PubMed 27506821; PubMed 17576681; PubMed 9536098.

NM_170707.4(LMNA):c.1608+4A>G

Gene: LMNA (lamin A/C; plus strand). Cytogenetic location: 1q22.
Variant type: single nucleotide variant.
Coding change: c.1608+4A>G on transcript NM_170707.4 (MANE Select); 4 bases into the intron after coding-DNA position 1608, A replaced by G.
Molecular consequence: intron variant.
Genome position (GRCh38, 1-based): chr1:156,137,236, A>G. VCF-style: chr1-156137236-A-G. GRCh37 (hg19) VCF-style: chr1-156107027-A-G.
Other names: c.1608+4A>G (NM_001406983.1, NM_001282625.2, NM_001406984.1 and 6 more transcripts); c.1050+4A>G (NM_001407002.1, NM_001406993.1, NM_001407003.1 and 4 more transcripts); c.984+4A>G (NM_001406999.1, NM_001407000.1, NM_001406994.1 and 1 more transcripts); c.1365+4A>G (NM_001406986.1, NM_001406987.1, NM_001282624.2); c.1272+4A>G (NM_001406989.1, NM_001257374.3, NM_001406998.1); c.1311+4A>G (NM_001406988.1).
Identifiers: ClinVar variation 2734001 (VCV002734001.3), dbSNP rs2528013930, ClinGen allele CA2586964301.